The following is an entry in ClinVar:

NM_021098.3(CACNA1H):c.4707G>C (p.Glu1569Asp)

Gene: CACNA1H (calcium voltage-gated channel subunit alpha1 H; plus strand). Cytogenetic location: 16p13.3.
Variant type: single nucleotide variant.
Coding change: c.4707G>C on transcript NM_021098.3 (MANE Select); coding-DNA position 4707, G replaced by C.
Protein change: p.Glu1569Asp; replaces glutamic acid 1569 with aspartic acid.
Molecular consequence: missense variant.
Genome position (GRCh38, 1-based): chr16:1,212,086, G>C. VCF-style: chr16-1212086-G-C. GRCh37 (hg19) VCF-style: chr16-1262086-G-C.
Other names: c.4707G>C, p.Glu1569Asp (NM_001005407.2); short protein forms E1569D.
Identifiers: ClinVar variation 1802123 (VCV001802123.1), dbSNP rs901412030, ClinGen allele CA394181082.
Genomic context (GRCh38, chr16:1,212,086, plus strand): 5'-GTTCGTGGGCGTCGTGGTCGAGAACTTCCACAAGTGCCGGCAGCACCAGGAGGCGGAGGA[G>C]GCGCGGCGGCGAGAGGAGAAGCGGCTGCGGCGCCTAGAGAGGAGGCGCAGGAGTAAGGCG-3'
Protein context (NP_066921.2, residues 1559-1579): HKCRQHQEAE[Glu1569Asp]ARRREEKRLR

ClinVar aggregate classification (germline): Uncertain significance (1 of 4 stars; one submission).

Submission:

GeneDx
Classification: Uncertain significance. Last evaluated: 2022-06-01. Review status: criteria provided, single submitter. Criteria: GeneDx Variant Classification Process June 2021. Collection method: clinical testing. Allele origin: germline. Affected: yes.
Comment: Not observed at significant frequency in large population cohorts (gnomAD); In silico analysis supports that this missense variant has a deleterious effect on protein structure/function; Has not been previously published as pathogenic or benign to our knowledge